The following is an entry in ClinVar:

ClinVar aggregate classification (germline): Likely pathogenic (1 of 4 stars; one submission).

Submission:

Dasa
Classification: Likely pathogenic. Last evaluated: 2025-09-22. Review status: criteria provided, single submitter. Criteria: DASA Assertion Criteria. Collection method: clinical testing. Allele origin: germline.
Comment: NM_014112.5(TRPS1):c.3380_3383del (p.Trp1127Leufs*14) is a frameshift variant in TRPS1 predicted to alter the reading frame and introduce a premature termination codon and is predicted to result in an absent or altered protein product. Loss of function is an established disease mechanism for TRPS1 (PMID: 31662300; PMID: 21740822; PMID: 11112658). Also, this variant is absent from population databases. Based on the currently available evidence, this variant is classified as likely pathogenic.

Literature cited by the submitters: PubMed 31662300; PubMed 21740822; PubMed 11112658.

NM_014112.5(TRPS1):c.3380_3383del (p.Trp1127fs)

Gene: TRPS1 (transcriptional repressor GATA binding 1; minus strand). Cytogenetic location: 8q23.3.
Variant type: Deletion.
Coding change: c.3380_3383del on transcript NM_014112.5 (MANE Select); coding-DNA positions 3380 to 3383, 4 bases deleted (GGAG; older notation c.3380_3383delGGAG).
Protein change: p.Trp1127fs; shifts the reading frame from tryptophan 1127.
Molecular consequence: frameshift variant.
Genome position (GRCh38, 1-based): chr8:115,414,525-115,414,528, CTCC deleted on the plus strand (GGAG on the coding strand, the reverse complement: TRPS1 is on the minus strand). VCF-style (leftmost placement, unchanged base first): chr8-115414524-ACTCC-A. GRCh37 (hg19) VCF-style: chr8-116426752-ACTCC-A.
Other names: c.3353_3356del, p.Trp1118fs (NM_001282902.3); c.3359_3362del, p.Trp1120fs (NM_001282903.3); c.3341_3344del, p.Trp1114fs (NM_001330599.2); short protein forms W1114fs, W1118fs, W1120fs, W1127fs.
Identifiers: ClinVar variation 4886555 (VCV004886555.2).
Genomic context (GRCh38, chr8:115,414,524, plus strand): 5'-TGGTAGGCCAGGCACGTGACTCAAGTAGTGCGGATTCCCAGGAACGGAGAGCTTATATTT[ACTCC>A]AGAACCGCAGCCAATCAGCTTCACTCTGGAAGTCATTATGTACAAAGGGAAGTCCAAAAA-3'